The following is an entry in ClinVar:

NM_001127222.2(CACNA1A):c.7412G>C (p.Arg2471Pro)

Gene: CACNA1A (calcium voltage-gated channel subunit alpha1 A; minus strand). Cytogenetic location: 19p13.13.
Variant type: single nucleotide variant.
Coding change: c.7412G>C on transcript NM_001127222.2 (MANE Select); coding-DNA position 7412, G replaced by C.
Protein change: p.Arg2471Pro; replaces arginine 2471 with proline.
Molecular consequence: missense variant. On other transcripts: 3 prime UTR variant (3).
Genome position (GRCh38, 1-based): chr19:13,207,422, C>G on the plus strand (G>C on the coding strand, the complement: CACNA1A is on the minus strand). VCF-style: chr19-13207422-C-G. GRCh37 (hg19) VCF-style: chr19-13318236-C-G.
Other names: c.*624G>C (NM_000068.4, NM_001127221.2, NM_001174080.2); c.7430G>C, p.Arg2477Pro (NM_023035.3); short protein forms R2471P, R2477P.
Identifiers: ClinVar variation 4996737 (VCV004996737.1).

ClinVar aggregate classification (germline): Uncertain significance (1 of 4 stars; one submission).

Conditions:
CACNA1A-related disorder. Also called: CACNA1A-related condition.

Submission:

PreventionGenetics, part of Exact Sciences
Classification: Uncertain significance for CACNA1A-related condition. Last evaluated: 2026-08-19. Review status: criteria provided, single submitter. Criteria: ACMG Guidelines, 2015. Collection method: clinical testing. Allele origin: germline.
Comment: The CACNA1A c.7412G>C variant is predicted to result in the amino acid substitution p.Arg2471Pro. To our knowledge, this variant has not been reported in the literature or in a large population database (gnomAD), indicating this variant is rare. At this time, the clinical significance of this variant is uncertain due to the absence of conclusive functional and genetic evidence.